The following is an entry in ClinVar:

ClinVar aggregate classification (germline): Likely pathogenic (1 of 4 stars; one submission).

Conditions:
Cardiovascular phenotype. Identifiers: MedGen CN230736.

Submission:

Ambry Genetics
Classification: Likely pathogenic for Cardiovascular phenotype. Last evaluated: 2020-06-30. Review status: criteria provided, single submitter. Criteria: Ambry Variant Classification Scheme 2023. Collection method: clinical testing. Allele origin: germline.
Comment: The p.G21737* variant (also known as c.65209G>T), located in coding exon 166 of the TTN gene, results from a G to T substitution at nucleotide position 65209. This changes the amino acid from a glycine to a stop codon within coding exon 166. This exon is located in the A-band region of the N2-B isoform of the titin protein and is constitutively expressed in TTN transcripts (percent spliced in or PSI 100%). This alteration is expected to result in loss of function by premature protein truncation or nonsense-mediated mRNA decay. While truncating variants in TTN are present in 1-3% of the general population, truncating variants in the A-band are the most common cause of dilated cardiomyopathy (DCM) (Herman DS et al. N. Engl. J. Med., 2012 Feb;366:619-28; Roberts AM et al. Sci Transl Med, 2015 Jan;7:270ra6). TTN truncating variants encoded in constitutive exons (PSI >90%) have been found to be significantly associated with DCM regardless of their position in titin (Schafer S et al. Nat. Genet., 2017 01;49:46-53). As such, this alteration is classified as likely pathogenic.

NM_001267550.2(TTN):c.92404G>T (p.Gly30802Ter)

Genes: TTN (titin; minus strand), TTN-AS1 (TTN antisense RNA 1; plus strand). Cytogenetic location: 2q31.2.
Variant type: single nucleotide variant.
Coding change: c.92404G>T on transcript NM_001267550.2 (MANE Select); coding-DNA position 92404, G replaced by T.
Protein change: p.Gly30802Ter; replaces glycine 30802 with a stop codon.
Molecular consequence: nonsense.
Genome position (GRCh38, 1-based): chr2:178,549,222, C>A on the plus strand (G>T on the coding strand, the complement: TTN is on the minus strand). VCF-style: chr2-178549222-C-A. GRCh37 (hg19) VCF-style: chr2-179413949-C-A.
Other names: c.87481G>T, p.Gly29161Ter (NM_001256850.1); c.65209G>T, p.Gly21737Ter (NM_003319.4); c.84700G>T, p.Gly28234Ter (NM_133378.4); c.65584G>T, p.Gly21862Ter (NM_133432.3); c.65785G>T, p.Gly21929Ter (NM_133437.4); short protein forms G21737*, G21929*, G28234*, G30802*, G21862*, G29161*.
Identifiers: ClinVar variation 1754027 (VCV001754027.2), dbSNP rs2469154798, ClinGen allele CA349493401.